The following is an entry in ClinVar:

ClinVar aggregate classification (germline): Uncertain significance (1 of 4 stars; one submission).

Conditions:
Brugada syndrome. Also called: Sudden unexpected nocturnal death syndrome; Sudden Unexplained Death Syndrome; Sudden Unexplained Nocturnal Death Syndrome (SUNDS); Sudden unexplained nocturnal death syndrome. Identifiers: Orphanet 130, MedGen C1142166, MONDO:0015263.

Allele frequency attached by ClinVar (database versions not stated): ExAC 0.00001.

Submission:

Labcorp Genetics (formerly Invitae), Labcorp
Classification: Uncertain significance for Brugada syndrome. Last evaluated: 2020-01-19. Review status: criteria provided, single submitter. Criteria: Invitae Variant Classification Sherloc (09022015). Collection method: clinical testing. Allele origin: germline.
Comment: In summary, the available evidence is currently insufficient to determine the role of this variant in disease. Therefore, it has been classified as a Variant of Uncertain Significance. Algorithms developed to predict the effect of missense changes on protein structure and function (SIFT, PolyPhen-2, Align-GVGD) all suggest that this variant is likely to be tolerated, but these predictions have not been confirmed by published functional studies and their clinical significance is uncertain. This variant has not been reported in the literature in individuals with SCN10A-related conditions. This variant is present in population databases (rs751664345, ExAC 0.01%). This sequence change replaces leucine with glutamine at codon 1033 of the SCN10A protein (p.Leu1033Gln). The leucine residue is weakly conserved and there is a moderate physicochemical difference between leucine and glutamine.

NM_006514.4(SCN10A):c.3098T>A (p.Leu1033Gln)

Genes: SCN10A (sodium voltage-gated channel alpha subunit 10; minus strand), LOC110121288 (VISTA enhancer hs2268; plus strand). Cytogenetic location: 3p22.2.
Variant type: single nucleotide variant.
Coding change: c.3098T>A on transcript NM_006514.4 (MANE Select); coding-DNA position 3098, T replaced by A.
Protein change: p.Leu1033Gln; replaces leucine 1033 with glutamine.
Molecular consequence: missense variant.
Genome position (GRCh38, 1-based): chr3:38,725,304, A>T on the plus strand (T>A on the coding strand, the complement: SCN10A is on the minus strand). VCF-style: chr3-38725304-A-T. GRCh37 (hg19) VCF-style: chr3-38766795-A-T.
Other names: c.3095T>A, p.Leu1032Gln (NM_001293306.2); c.2804T>A, p.Leu935Gln (NM_001293307.2); short protein forms L1032Q, L1033Q, L935Q.
Identifiers: ClinVar variation 965988 (VCV000965988.6), dbSNP rs751664345, ClinGen allele CA2320351.